The following is an entry in ClinVar:

NM_001048174.2(MUTYH):c.880A>C (p.Ser294Arg)

Gene: MUTYH (mutY DNA glycosylase; minus strand). Cytogenetic location: 1p34.1.
Variant type: single nucleotide variant.
Coding change: c.880A>C on transcript NM_001048174.2 (MANE Select); coding-DNA position 880, A replaced by C.
Protein change: p.Ser294Arg; replaces serine 294 with arginine.
Molecular consequence: missense variant. On other transcripts: non-coding transcript variant (7).
Genome position (GRCh38, 1-based): chr1:45,332,056, T>G on the plus strand (A>C on the coding strand, the complement: MUTYH is on the minus strand). VCF-style: chr1-45332056-T-G. GRCh37 (hg19) VCF-style: chr1-45797728-T-G.
Other names: c.880A>C, p.Ser294Arg (NM_001048171.2, NM_001048173.2, NM_001407070.1 and 6 more transcripts); c.883A>C, p.Ser295Arg (NM_001048172.2, NM_001407071.1, NM_001407078.1 and 1 more transcripts); c.796A>C, p.Ser266Arg (NM_001407075.1); c.913A>C, p.Ser305Arg (NM_001407077.1, NM_001293191.2, NM_001407069.1); c.841A>C, p.Ser281Arg (NM_001407079.1); c.838A>C, p.Ser280Arg (NM_001407080.1); c.964A>C, p.Ser322Arg (NM_001128425.2); c.925A>C, p.Ser309Arg (NM_001293190.2); and 5 more; short protein forms S266R, S280R, S295R, S322R, S179R, S202R, S301R, S308R.
Identifiers: ClinVar variation 4113960 (VCV004113960.1).
Genomic context (GRCh38, chr1:45,332,056, plus strand): 5'-GGGGTGGGGGCTAGGTTTGGTGCTCACCACACTCCTCCACGTCAGGACTGCCCGACAGGC[T>G]CCCTGAGGCTAAGAGCTGTTCCTGCTCCACCTGAGAGGCACAGGGTTGAGTGTCATAGGG-3'
Protein context (NP_001041639.1, residues 284-304): VEQEQLLASG[Ser294Arg]LSGSPDVEEC

ClinVar aggregate classification (germline): Uncertain significance (1 of 4 stars; one submission).

Conditions:
Hereditary cancer-predisposing syndrome. Also called: Hereditary neoplastic syndrome; Neoplastic Syndromes, Hereditary; Tumor predisposition; Hereditary Cancer Syndrome. Identifiers: Orphanet 140162, MedGen C0027672, MeSH D009386, MONDO:0015356.

Submission:

Ambry Genetics
Classification: Uncertain significance for Hereditary cancer-predisposing syndrome. Last evaluated: 2025-08-27. Review status: criteria provided, single submitter. Criteria: Ambry Variant Classification Scheme 2023. Collection method: clinical testing. Allele origin: germline.
Comment: The p.S322R variant (also known as c.964A>C), located in coding exon 11 of the MUTYH gene, results from an A to C substitution at nucleotide position 964. The serine at codon 322 is replaced by arginine, an amino acid with dissimilar properties. This amino acid position is conserved. In addition, this alteration is predicted to be tolerated by in silico analysis. Based on the available evidence, the clinical significance of this variant remains unclear.